The following is an entry in ClinVar:

NM_000093.5(COL5A1):c.2891G>T (p.Gly964Val)

Gene: COL5A1 (collagen type V alpha 1 chain; plus strand). Cytogenetic location: 9q34.3.
Variant type: single nucleotide variant.
Coding change: c.2891G>T on transcript NM_000093.5 (MANE Select); coding-DNA position 2891, G replaced by T.
Protein change: p.Gly964Val; replaces glycine 964 with valine.
Molecular consequence: missense variant.
Genome position (GRCh38, 1-based): chr9:134,796,894, G>T. VCF-style: chr9-134796894-G-T. GRCh37 (hg19) VCF-style: chr9-137688740-G-T.
Other names: c.2891G>T (NM_000093.3); c.2891G>T, p.Gly964Val (NM_001278074.1); short protein forms G964V.
Identifiers: ClinVar variation 2699818 (VCV002699818.4), dbSNP rs2490768351, ClinGen allele CA375457153.
Genomic context (GRCh38, chr9:134,796,894, plus strand): 5'-TTCTCTGTTCCCAGGGACCCAATGGACCCCAAGGACCCACAGGATTTCCTGGACCAAAGG[G>T]CCCCCCTGTAAGTAATGGCTTCCTTGCTGGGCCAGCACTGCCTGTCCCCTCCAAAACCCA-3'
Protein context (NP_000084.3, residues 954-974): QGPTGFPGPK[Gly964Val]PPGPPGKDGL

ClinVar aggregate classification (germline): Uncertain significance. Review status: criteria provided, multiple submitters, no conflicts (2 of 4 stars). 2 submissions from 2 submitters: Uncertain significance (2). Last evaluated 2024-10-03.

Conditions:
Ehlers-Danlos syndrome, classic type, 1 (EDSCL1). Also called: EHLERS-DANLOS SYNDROME, GRAVIS TYPE; EHLERS-DANLOS SYNDROME, SEVERE CLASSIC TYPE; Ehlers-Danlos syndrome, type 1; Ehlers-Danlos Syndrome, Classic Type, COL5A1-Related; EDS I. Identifiers: MedGen C0268335, MONDO:0019567, OMIM 130000.

Submissions (2):

GeneDx
Classification: Uncertain significance. Last evaluated: 2024-10-03. Review status: criteria provided, single submitter. Criteria: GeneDx Variant Classification Process June 2021. Collection method: clinical testing. Allele origin: germline. Affected: yes.
Comment: Not observed at significant frequency in large population cohorts (gnomAD); In silico analysis supports that this missense variant has a deleterious effect on protein structure/function; Has not been previously published as pathogenic or benign to our knowledge; This variant is associated with the following publications: (PMID: 22696272)

Labcorp Genetics (formerly Invitae), Labcorp
Classification: Uncertain significance for Ehlers-Danlos syndrome, classic type, 1. Last evaluated: 2023-11-30. Review status: criteria provided, single submitter. Criteria: Invitae Variant Classification Sherloc (09022015). Collection method: clinical testing. Allele origin: germline.
Comment: This sequence change replaces glycine, which is neutral and non-polar, with valine, which is neutral and non-polar, at codon 964 of the COL5A1 protein (p.Gly964Val). This variant is not present in population databases (gnomAD no frequency). This variant has not been reported in the literature in individuals affected with COL5A1-related conditions. Advanced modeling of protein sequence and biophysical properties (such as structural, functional, and spatial information, amino acid conservation, physicochemical variation, residue mobility, and thermodynamic stability) performed at Invitae indicates that this missense variant is expected to disrupt COL5A1 protein function with a positive predictive value of 95%. In summary, the available evidence is currently insufficient to determine the role of this variant in disease. Therefore, it has been classified as a Variant of Uncertain Significance.